The following is an entry in ClinVar:

NM_147127.5(EVC2):c.2954del (p.Tyr985fs)

Gene: EVC2 (EvC ciliary complex subunit 2; minus strand). Cytogenetic location: 4p16.2.
Variant type: Deletion.
Coding change: c.2954del on transcript NM_147127.5 (MANE Select); coding-DNA position 2954, one base deleted (A; older notation c.2954delA).
Protein change: p.Tyr985fs; shifts the reading frame from tyrosine 985.
Molecular consequence: frameshift variant.
Genome position (GRCh38, 1-based): chr4:5,584,726, T deleted on the plus strand (A on the coding strand, the reverse complement: EVC2 is on the minus strand). VCF-style (leftmost placement, unchanged base first): chr4-5584725-GT-G. GRCh37 (hg19) VCF-style: chr4-5586452-GT-G.
Other names: c.2714del, p.Tyr905fs (NM_001166136.2); short protein forms Y905fs, Y985fs.
Identifiers: ClinVar variation 1355691 (VCV001355691.7), dbSNP rs2108788549, ClinGen allele CA2573138243.

ClinVar aggregate classification (germline): Pathogenic (1 of 4 stars; one submission).

Conditions:
Curry-Hall syndrome (WAD). Also called: WEYERS ACRODENTAL DYSOSTOSIS. Identifiers: Orphanet 952, MedGen C0457013, MONDO:0008673, OMIM 193530.
Ellis-van Creveld syndrome (EVC). Also called: MESOECTODERMAL DYSPLASIA; EVC-Related Ellis-van Creveld Syndrome; EVC2-Related Ellis-van Creveld Syndrome; Chondroectodermal dysplasia. Identifiers: Orphanet 289, MedGen C0013903, MONDO:0009162, OMIM 225500.

Allele frequency attached by ClinVar (database versions not stated): gnomAD exomes below 0.00001.

Submission:

Labcorp Genetics (formerly Invitae), Labcorp
Classification: Pathogenic for Curry-Hall syndrome; Ellis-van Creveld syndrome. Last evaluated: 2021-03-24. Review status: criteria provided, single submitter. Criteria: Invitae Variant Classification Sherloc (09022015). Collection method: clinical testing. Allele origin: germline.
Comment: For these reasons, this variant has been classified as Pathogenic. This variant has not been reported in the literature in individuals with EVC2-related conditions. This variant is not present in population databases (ExAC no frequency). This sequence change creates a premature translational stop signal (p.Tyr985Serfs*15) in the EVC2 gene. It is expected to result in an absent or disrupted protein product. Loss-of-function variants in EVC2 are known to be pathogenic (PMID: 17024374, 19810119, 19876929).

Literature cited by the submitters: PubMed 17024374; PubMed 19810119; PubMed 19876929.